The following is an entry in ClinVar:

NM_201525.4(ADGRG1):c.1012C>T (p.Gln338Ter)

Gene: ADGRG1 (adhesion G protein-coupled receptor G1; plus strand). Cytogenetic location: 16q21.
Variant type: single nucleotide variant.
Coding change: c.1012C>T on transcript NM_201525.4 (MANE Select); coding-DNA position 1012, C replaced by T.
Protein change: p.Gln338Ter; replaces glutamine 338 with a stop codon.
Molecular consequence: nonsense.
Genome position (GRCh38, 1-based): chr16:57,655,987, C>T. VCF-style: chr16-57655987-C-T. GRCh37 (hg19) VCF-style: chr16-57689899-C-T.
Other names: c.1012C>T (NM_005682.6); c.1012C>T, p.Gln338Ter (NM_001370439.1, NM_001370440.1, NM_001370441.1 and 16 more transcripts); c.856C>T, p.Gln286Ter (NM_001370442.1); c.487C>T, p.Gln163Ter (NM_001370451.1, NM_001370453.1, NM_001370454.1 and 2 more transcripts); c.1027C>T, p.Gln343Ter (NM_001145773.3, NM_001370433.1); c.502C>T, p.Gln168Ter (NM_001290142.2); short protein forms Q168*, Q338*, Q163*, Q286*, Q343*.
Identifiers: ClinVar variation 2087510 (VCV002087510.5), dbSNP rs2545340936, ClinGen allele CA396048398.

ClinVar aggregate classification (germline): Pathogenic/Likely pathogenic. Review status: criteria provided, multiple submitters, no conflicts (2 of 4 stars). 2 submissions from 2 submitters: Pathogenic (1); Likely pathogenic (1). Last evaluated 2024-10-07.

Conditions:
Bilateral frontoparietal polymicrogyria. Also called: CEREBELLAR ATAXIA WITH NEURONAL MIGRATION DEFECT; CORTICAL DYSPLASIA, COMPLEX, WITH OTHER BRAIN MALFORMATIONS 14A (BILATERAL FRONTOPARIETAL). Identifiers: Orphanet 101070, MedGen C1847352, MONDO:0011738, OMIM 606854.

Allele frequency attached by ClinVar (database versions not stated): gnomAD exomes below 0.00001.
gnomAD v4.1: 2 of 1,613,986 alleles (0.00012%); highest among the groups gnomAD compares: Non-Finnish European, 0.00017%; no homozygotes.

Submissions (2):

Natera, Inc.
Classification: Likely pathogenic for Bilateral frontoparietal polymicrogyria. Last evaluated: 2024-10-07. Review status: criteria provided, single submitter. Criteria: Natera Variant Classification Schema (03/2026). Collection method: clinical testing. Allele origin: germline.
Comment: The c.1012C>T variant in ADGRG1 is a nonsense variant predicted to introduce a stop codon at amino acid 338. This variant is expected to result in nonsense mediated decay, truncation, or a dysfunctional protein product. This variant is rare in the general population with a frequency below the threshold expected for the associated phenotype(s). Given the available evidence, this variant is classified as Likely Pathogenic.

Labcorp Genetics (formerly Invitae), Labcorp
Classification: Pathogenic. Last evaluated: 2022-01-18. Review status: criteria provided, single submitter. Criteria: Invitae Variant Classification Sherloc (09022015). Collection method: clinical testing. Allele origin: germline.
Comment: This variant has not been reported in the literature in individuals affected with ADGRG1-related conditions. This variant is not present in population databases (gnomAD no frequency). This sequence change creates a premature translational stop signal (p.Gln338*) in the ADGRG1 gene. It is expected to result in an absent or disrupted protein product. Loss-of-function variants in ADGRG1 are known to be pathogenic (PMID: 15044805, 20929962). For these reasons, this variant has been classified as Pathogenic.

Literature cited by the submitters: PubMed 15044805 (cited by Labcorp Genetics (formerly Invitae), Labcorp); PubMed 20929962 (cited by Labcorp Genetics (formerly Invitae), Labcorp).